The following is an entry in ClinVar:

NM_001127208.3(TET2):c.4435C>G (p.Leu1479Val)

Genes: TET2 (tet methylcytosine dioxygenase 2; plus strand), TET2-AS1 (TET2 antisense RNA 1; minus strand). Cytogenetic location: 4q24.
Variant type: single nucleotide variant.
Coding change: c.4435C>G on transcript NM_001127208.3 (MANE Select); coding-DNA position 4435, C replaced by G.
Protein change: p.Leu1479Val; replaces leucine 1479 with valine.
Molecular consequence: missense variant.
Genome position (GRCh38, 1-based): chr4:105,272,816, C>G. VCF-style: chr4-105272816-C-G. GRCh37 (hg19) VCF-style: chr4-106193973-C-G.
Other names: short protein forms L1479V.
Identifiers: ClinVar variation 2976439 (VCV002976439.3), dbSNP rs1023192888, ClinGen allele CA102778422.

ClinVar aggregate classification (germline): Uncertain significance (1 of 4 stars; one submission).

Allele frequency attached by ClinVar (database versions not stated): gnomAD exomes below 0.00001; gnomAD 0.00003; TOPMed 0.00004.
gnomAD v4.1: 8 of 1,551,546 alleles (0.00052%); highest among the groups gnomAD compares: African/African-American, 0.0096%; no homozygotes.

Submission:

Labcorp Genetics (formerly Invitae), Labcorp
Classification: Uncertain significance. Last evaluated: 2023-08-27. Review status: criteria provided, single submitter. Criteria: Invitae Variant Classification Sherloc (09022015). Collection method: clinical testing. Allele origin: germline.
Comment: In summary, the available evidence is currently insufficient to determine the role of this variant in disease. Therefore, it has been classified as a Variant of Uncertain Significance. An algorithm developed to predict the effect of missense changes on protein structure and function (PolyPhen-2) suggests that this variant is likely to be tolerated. This sequence change replaces leucine, which is neutral and non-polar, with valine, which is neutral and non-polar, at codon 1479 of the TET2 protein (p.Leu1479Val). This variant is present in population databases (no rsID available, gnomAD 0.02%). This variant has not been reported in the literature in individuals affected with TET2-related conditions.